The following is an entry in ClinVar:

ClinVar aggregate classification (germline): Uncertain significance. Review status: criteria provided, multiple submitters, no conflicts (2 of 4 stars). 2 submissions from 2 submitters: Uncertain significance (2). Last evaluated 2022-11-28.

Allele frequency attached by ClinVar (database versions not stated): gnomAD exomes below 0.00001 and 0.00002; ExAC 0.00001; gnomAD 0.00001; TOPMed 0.00001.

Submissions (2):

GeneDx
Classification: Uncertain significance. Last evaluated: 2022-11-28. Review status: criteria provided, single submitter. Criteria: GeneDx Variant Classification Process June 2021. Collection method: clinical testing. Allele origin: germline. Affected: yes.
Comment: Has not been previously published as pathogenic or benign to our knowledge; Not observed at significant frequency in large population cohorts (gnomAD); In silico analysis supports that this missense variant does not alter protein structure/function

Labcorp Genetics (formerly Invitae), Labcorp
Classification: Uncertain significance. Last evaluated: 2022-07-05. Review status: criteria provided, single submitter. Criteria: Invitae Variant Classification Sherloc (09022015). Collection method: clinical testing. Allele origin: germline.
Comment: This sequence change replaces methionine, which is neutral and non-polar, with isoleucine, which is neutral and non-polar, at codon 151 of the GJB2 protein (p.Met151Ile). This variant is present in population databases (rs765115961, gnomAD 0.0009%). This variant has not been reported in the literature in individuals affected with GJB2-related conditions. ClinVar contains an entry for this variant (Variation ID: 1407567). Advanced modeling of protein sequence and biophysical properties (such as structural, functional, and spatial information, amino acid conservation, physicochemical variation, residue mobility, and thermodynamic stability) performed at Invitae indicates that this missense variant is not expected to disrupt GJB2 protein function. In summary, the available evidence is currently insufficient to determine the role of this variant in disease. Therefore, it has been classified as a Variant of Uncertain Significance.

NM_004004.6(GJB2):c.453G>A (p.Met151Ile)

Gene: GJB2 (gap junction protein beta 2; minus strand). Cytogenetic location: 13q12.11.
Variant type: single nucleotide variant.
Coding change: c.453G>A on transcript NM_004004.6 (MANE Select); coding-DNA position 453, G replaced by A.
Protein change: p.Met151Ile; replaces methionine 151 with isoleucine.
Molecular consequence: missense variant.
Genome position (GRCh38, 1-based): chr13:20,189,129, C>T on the plus strand (G>A on the coding strand, the complement: GJB2 is on the minus strand). VCF-style: chr13-20189129-C-T. GRCh37 (hg19) VCF-style: chr13-20763268-C-T.
Other names: c.453G>A (NM_004004.5); short protein forms M151I.
Identifiers: ClinVar variation 1407567 (VCV001407567.6), dbSNP rs765115961, ClinGen allele CA6904264.